The following is an entry in ClinVar:

NM_016194.4(GNB5):c.368C>T (p.Ser123Leu)

Gene: GNB5 (G protein subunit beta 5; minus strand). Cytogenetic location: 15q21.2.
Variant type: single nucleotide variant.
Coding change: c.368C>T on transcript NM_016194.4 (MANE Select); coding-DNA position 368, C replaced by T.
Protein change: p.Ser123Leu; replaces serine 123 with leucine.
Molecular consequence: missense variant.
Genome position (GRCh38, 1-based): chr15:52,153,947, G>A on the plus strand (C>T on the coding strand, the complement: GNB5 is on the minus strand). VCF-style: chr15-52153947-G-A. GRCh37 (hg19) VCF-style: chr15-52446144-G-A.
Other names: c.86C>T, p.Ser29Leu (NM_001379343.1); c.242C>T, p.Ser81Leu (NM_006578.4); short protein forms S81L, S123L, S29L.
Identifiers: ClinVar variation 254029 (VCV000254029.20), dbSNP rs761399728, ClinGen allele CA7565870.

ClinVar aggregate classification (germline): Pathogenic. Review status: criteria provided, multiple submitters, no conflicts (2 of 4 stars). 9 submissions from 9 submitters: Pathogenic (4). 5 of the submissions do not count toward it. Last evaluated 2025-05-14.

Conditions:
Lodder-Merla syndrome, type 1, with impaired intellectual development and cardiac arrhythmia. Also called: Intellectual developmental disorder with cardiac arrhythmia; Gnb5-related intellectual disability-cardiac arrhythmia syndrome. Identifiers: Orphanet 542306, MedGen C5568877, MONDO:0014953, OMIM 617173.
Language delay and attention deficit-hyperactivity disorder/cognitive impairment with or without cardiac arrhythmia (LDMLS2). Also called: LODDER-MERLA SYNDROME, TYPE 2, WITH DEVELOPMENTAL DELAY AND WITH OR WITHOUT CARDIAC ARRHYTHMIA. Identifiers: MedGen C4310678, MONDO:0014957, OMIM 617182.
Inborn genetic diseases. Identifiers: MedGen C0950123, MeSH D030342.
Delayed speech and language development. Also called: Language delay. Identifiers: MedGen C0454644, HP:0000750.
Attention deficit hyperactivity disorder (ADHD). Also called: Attention-Deficit/Hyperactivity Disorder. Identifiers: MedGen C1263846, MONDO:0007743, HP:0007018.
Global developmental delay (DD). Also called: Cognitive delay. Identifiers: MedGen C0557874, HP:0001263. Disease mechanism: loss of function.

Allele frequency attached by ClinVar (database versions not stated): gnomAD 0.00001; TOPMed 0.00003; ExAC 0.00005; gnomAD exomes 0.00006.
gnomAD v4.1: 31 of 1,611,272 alleles (0.0019%); highest among the groups gnomAD compares: Admixed American, 0.022%; no homozygotes.

Submissions (9):

GeneDx
Classification: Pathogenic. Last evaluated: 2025-05-14. Review status: criteria provided, single submitter. Criteria: GeneDx Variant Classification Process June 2021. Collection method: clinical testing. Allele origin: germline. Affected: yes.
Comment: Published functional studies demonstrate a damaging effect as p.(S123L) results in severe but incomplete loss of function, with lower expression levels and significantly impaired activity (PMID: 27677260); In silico analysis supports that this missense variant has a deleterious effect on protein structure/function; This variant is associated with the following publications: (PMID: 27523599, 27677260, 31208990, 32552793, 31589614, 33176815, 30631341, 32280589, 31130284, 37644014, 38152247)

Ambry Genetics
Classification: Pathogenic for Inborn genetic diseases. Last evaluated: 2021-10-20. Review status: criteria provided, single submitter. Criteria: Ambry Variant Classification Scheme 2023. Collection method: clinical testing. Allele origin: germline.
Comment: The c.368C>T (p.S123L) alteration is located in exon 4 (coding exon 3) of the GNB5 gene. This alteration results from a C to T substitution at nucleotide position 368, causing the serine (S) at amino acid position 123 to be replaced by a leucine (L). Based on data from gnomAD, the T allele has an overall frequency of 0.01% (15/282212) total alleles studied. The highest observed frequency was 0.03% (11/35244) of Latino alleles. This mutation has been reported in the homozygous and compound heterozygous state in several individuals with GNB5-related neurodevelopmental disorder (Lin, 2020; Lodder, 2016; Monies, 2019; Shamseldin, 2016). Functional studies show that this alteration severely impacts dopamine responses (Shamseldin, 2016). The in silico prediction for this alteration is inconclusive. Based on the available evidence, this alteration is classified as pathogenic.

Mendelics
Classification: Pathogenic for Lodder-Merla syndrome, type 1, with impaired intellectual development and cardiac arrhythmia. Last evaluated: 2019-05-28. Review status: criteria provided, single submitter. Criteria: Mendelics Assertion Criteria 2017. Collection method: clinical testing. Allele origin: unknown.

Institute of Human Genetics, University of Leipzig Medical Center
Classification: Pathogenic for Lodder-Merla syndrome, type 1, with impaired intellectual development and cardiac arrhythmia. Last evaluated: 2019-01-01. Review status: criteria provided, single submitter. Criteria: ACMG Guidelines, 2015. Collection method: clinical testing. Allele origin: unknown. Affected: yes.

OMIM
Classification: Pathogenic for LODDER-MERLA SYNDROME, TYPE 2, WITH DEVELOPMENTAL DELAY AND WITH OR WITHOUT CARDIAC ARRHYTHMIA. Last evaluated: 2023-08-16. Review status: no assertion criteria provided. Collection method: literature only. Allele origin: germline. Not counted in ClinVar's aggregate classification.

Genomic Medicine Center of Excellence, King Faisal Specialist Hospital and Research Centre
Classification: Likely pathogenic for Global developmental delay; Attention deficit hyperactivity disorder; Delayed speech and language development. Last evaluated: 2016-02-02. Review status: no assertion criteria provided. Collection method: research. Allele origin: germline. Affected: yes. Observed: 5 homozygotes. Clinical features observed: ADHD, Severely Impaired Language Development, Normal Cognition. Not counted in ClinVar's aggregate classification.
Comment: ADHD, Severely Impaired Language Development and Normal Cognition

GeneReviews
No classification provided. Condition: Lodder-Merla syndrome, type 1, with impaired intellectual development and cardiac arrhythmia. Review status: no classification provided. Collection method: literature only. Allele origin: germline. Not counted in ClinVar's aggregate classification.

Genome Diagnostics Laboratory, Amsterdam University Medical Center
Classification: Pathogenic. Review status: no assertion criteria provided. Collection method: clinical testing. Allele origin: germline. Affected: yes. Study: VKGL Data-share Consensus. Not counted in ClinVar's aggregate classification.

Joint Genome Diagnostic Labs from Nijmegen and Maastricht, Radboudumc and MUMC+
Classification: Pathogenic. Review status: no assertion criteria provided. Collection method: clinical testing. Allele origin: germline. Affected: yes. Study: VKGL Data-share Consensus. Not counted in ClinVar's aggregate classification.

Literature cited by the submitters: PubMed 27523599 (cited by 3 submitters); PubMed 27677260 (cited by 3 submitters); PubMed 31130284 (cited by Ambry Genetics); PubMed 33176815 (cited by Ambry Genetics); PubMed 30631341 (cited by OMIM and GeneReviews); NCBI Bookshelf NBK573218 (cited by GeneReviews).